The following is an entry in ClinVar:

ClinVar aggregate classification (germline): Uncertain significance (1 of 4 stars; one submission).

Allele frequency attached by ClinVar (database versions not stated): ExAC 0.00001; gnomAD 0.00001; gnomAD exomes 0.00001; TOPMed 0.00002.
gnomAD v4.1: 16 of 1,613,474 alleles (0.00099%); highest among the groups gnomAD compares: Admixed American, 0.0017%; no homozygotes.

Submission:

Labcorp Genetics (formerly Invitae), Labcorp
Classification: Uncertain significance. Last evaluated: 2024-03-11. Review status: criteria provided, single submitter. Criteria: Invitae Variant Classification Sherloc (09022015). Collection method: clinical testing. Allele origin: germline.
Comment: This sequence change replaces glutamine, which is neutral and polar, with arginine, which is basic and polar, at codon 456 of the CLCN6 protein (p.Gln456Arg). This variant is present in population databases (rs746205692, gnomAD 0.003%). This variant has not been reported in the literature in individuals affected with CLCN6-related conditions. ClinVar contains an entry for this variant (Variation ID: 2044225). An algorithm developed to predict the effect of missense changes on protein structure and function (PolyPhen-2) suggests that this variant is likely to be disruptive. In summary, the available evidence is currently insufficient to determine the role of this variant in disease. Therefore, it has been classified as a Variant of Uncertain Significance.

NM_001286.5(CLCN6):c.1367A>G (p.Gln456Arg)

Gene: CLCN6 (chloride voltage-gated channel 6; plus strand). Cytogenetic location: 1p36.22.
Variant type: single nucleotide variant.
Coding change: c.1367A>G on transcript NM_001286.5 (MANE Select); coding-DNA position 1367, A replaced by G.
Protein change: p.Gln456Arg; replaces glutamine 456 with arginine.
Molecular consequence: missense variant. On other transcripts: non-coding transcript variant (1).
Genome position (GRCh38, 1-based): chr1:11,833,633, A>G. VCF-style: chr1-11833633-A-G. GRCh37 (hg19) VCF-style: chr1-11893690-A-G.
Other names: c.1301A>G, p.Gln434Arg (NM_001256959.2); short protein forms Q456R, Q434R.
Identifiers: ClinVar variation 2044225 (VCV002044225.4), dbSNP rs746205692, ClinGen allele CA596438.